The following is an entry in ClinVar:

ClinVar aggregate classification (germline): Uncertain significance (1 of 4 stars; one submission).

Conditions:
Proline dehydrogenase deficiency (HYRPRO1). Also called: PROLINE OXIDASE DEFICIENCY; Hyperprolinemia type 1. Identifiers: Orphanet 419, MedGen C0268529, MONDO:0009400, OMIM 239500.

Submission:

Labcorp Genetics (formerly Invitae), Labcorp
Classification: Uncertain significance for Proline dehydrogenase deficiency. Last evaluated: 2022-04-01. Review status: criteria provided, single submitter. Criteria: Invitae Variant Classification Sherloc (09022015). Collection method: clinical testing. Allele origin: germline.
Comment: This sequence change replaces leucine, which is neutral and non-polar, with arginine, which is basic and polar, at codon 515 of the PRODH protein (p.Leu515Arg). This variant is not present in population databases (gnomAD no frequency). This variant has not been reported in the literature in individuals affected with PRODH-related conditions. Algorithms developed to predict the effect of missense changes on protein structure and function are either unavailable or do not agree on the potential impact of this missense change (SIFT: "Deleterious"; PolyPhen-2: "Probably Damaging"; Align-GVGD: "Class C0"). In summary, the available evidence is currently insufficient to determine the role of this variant in disease. Therefore, it has been classified as a Variant of Uncertain Significance.

NM_016335.6(PRODH):c.1544T>G (p.Leu515Arg)

Gene: PRODH (proline dehydrogenase 1; minus strand). Cytogenetic location: 22q11.21.
Variant type: single nucleotide variant.
Coding change: c.1544T>G on transcript NM_016335.6 (MANE Select); coding-DNA position 1544, T replaced by G.
Protein change: p.Leu515Arg; replaces leucine 515 with arginine.
Molecular consequence: missense variant.
Genome position (GRCh38, 1-based): chr22:18,913,509, A>C on the plus strand (T>G on the coding strand, the complement: PRODH is on the minus strand). VCF-style: chr22-18913509-A-C. GRCh37 (hg19) VCF-style: chr22-18901022-A-C.
Other names: c.1220T>G, p.Leu407Arg (NM_001195226.2, NM_001368250.2); short protein forms L407R, L515R.
Identifiers: ClinVar variation 2092967 (VCV002092967.4), dbSNP rs2517447006, ClinGen allele CA410639160.
Genomic context (GRCh38, chr22:18,913,509, plus strand): 5'-CTGATCTGGTCACACATGCCTAGCAGCTGTCCAAAGTACACCCGGTGGTCAGCAGGATGC[A>C]GGCCCAGCTCCTCCATCCTGTGCAGGTGAAGCCAGGAACTGAGGGCCAGTTCCAGGACAC-3'
Protein context (NP_057419.5, residues 505-525): FALRRMEELG[Leu515Arg]HPADHRVYFG